The following is an entry in ClinVar:

ClinVar aggregate classification (germline): Likely benign (0 of 4 stars; one submission).

Conditions:
CIBAR2-related disorder. Also called: CIBAR2-related condition.

Allele frequency attached by ClinVar (database versions not stated): TOPMed 0.00006; gnomAD 0.00025; gnomAD exomes 0.00053; ExAC 0.00147; 1000 Genomes Project 0.00200; 1000 Genomes Project 30x 0.00203.
gnomAD v4.1: 811 of 1,610,930 alleles (0.05%); highest among the groups gnomAD compares: South Asian, 0.86%; 11 homozygotes.

Submission:

PreventionGenetics, part of Exact Sciences
Classification: Likely benign for CIBAR2-related condition. Last evaluated: 2023-09-14. Review status: no assertion criteria provided. Collection method: clinical testing. Allele origin: germline.
Comment: This variant is classified as likely benign based on ACMG/AMP sequence variant interpretation guidelines (Richards et al. 2015 PMID: 25741868, with internal and published modifications).

NM_198491.3(CIBAR2):c.736C>T (p.Gln246Ter)

Gene: CIBAR2 (CBY1 interacting BAR domain containing 2; minus strand). Cytogenetic location: 16q24.1.
Variant type: single nucleotide variant.
Coding change: c.736C>T on transcript NM_198491.3 (MANE Select); coding-DNA position 736, C replaced by T.
Protein change: p.Gln246Ter; replaces glutamine 246 with a stop codon.
Molecular consequence: nonsense.
Genome position (GRCh38, 1-based): chr16:85,100,156, G>A on the plus strand (C>T on the coding strand, the complement: CIBAR2 is on the minus strand). VCF-style: chr16-85100156-G-A. GRCh37 (hg19) VCF-style: chr16-85133762-G-A.
Other names: c.736C>T, p.Gln246Ter (NM_001366920.1); short protein forms Q246*.
Identifiers: ClinVar variation 3041843 (VCV003041843.2), dbSNP rs553906448, ClinGen allele CA8213368.